The following is an entry in ClinVar:

NM_001278716.2(FBXL4):c.381G>A (p.Val127=)

Gene: FBXL4 (F-box and leucine rich repeat protein 4; minus strand). Cytogenetic location: 6q16.2.
Variant type: single nucleotide variant.
Coding change: c.381G>A on transcript NM_001278716.2 (MANE Select); coding-DNA position 381, G replaced by A.
Protein change: p.Val127=; no amino-acid change (valine 127 retained).
Molecular consequence: synonymous variant. On other transcripts: non-coding transcript variant (2).
Genome position (GRCh38, 1-based): chr6:98,926,608, C>T on the plus strand (G>A on the coding strand, the complement: FBXL4 is on the minus strand). VCF-style: chr6-98926608-C-T. GRCh37 (hg19) VCF-style: chr6-99374484-C-T.
Other names: c.381G>A, p.Val127= (NM_012160.5).
Identifiers: ClinVar variation 437567 (VCV000437567.1), dbSNP rs769022403, ClinGen allele CA3933700.

ClinVar aggregate classification (germline): Uncertain significance (1 of 4 stars; one submission).

Conditions:
Mitochondrial DNA depletion syndrome 13. Also called: FBXL4-Related Encephalomyopathic Mitochondrial DNA Depletion Syndrome; Mitochondrial DNA depletion syndrome 13 (encephalomyopathic type). Identifiers: Orphanet 369897, MedGen C3809592, MONDO:0014198, OMIM 615471.

Allele frequency attached by ClinVar (database versions not stated): gnomAD exomes below 0.00001 and 0.00001; ExAC 0.00001.
gnomAD v4.1: 7 of 1,614,114 alleles (0.00043%); highest among the groups gnomAD compares: Non-Finnish European, 0.00059%; no homozygotes.

Submission:

Wong Mito Lab, Molecular and Human Genetics, Baylor College of Medicine
Classification: Uncertain significance for Mitochondrial DNA depletion syndrome 13. Last evaluated: 2017-08-10. Review status: criteria provided, single submitter. Criteria: ACMG Guidelines, 2015. Collection method: reference population. Allele origin: germline.
Comment: The NM_012160.4:c.381G>A (NP_036292.2:p.Val127=) [GRCH38: NC_000006.12:g.98926608C>T] variant in FBXL4 gene is interpretated to be a Uncertain Significance - Conflicting Evidence based on ACMG guidelines (PMID: 25741868). This variant meets one or more of the following evidence codes reported in the ACMG-guideline. PM2:This variant is absent in key population databases. BP4:Computational evidence/predictors indicate no impact on the FBXL4 structure, function, or protein-protein interaction. BP7:The variant is silent with non predicted splice impact. Based on this evidence code ClinGen Pathogenicity Calculator (PMID:28081714) suggested that the variant is Uncertain Significance - Conflicting Evidence.